The following is an entry in ClinVar:

ClinVar aggregate classification (germline): Pathogenic/Likely pathogenic. Review status: criteria provided, multiple submitters, no conflicts (2 of 4 stars). 3 submissions from 3 submitters: Pathogenic (2); Likely pathogenic (1). Last evaluated 2025-03-21.

Conditions:
Nemaline myopathy. Also called: Myopathies, Nemaline. Identifiers: Orphanet 607, MedGen C0206157, MONDO:0018958.
Nemaline myopathy 2 (NEM2). Also called: Nemaline myopathy 2, autosomal recessive. Identifiers: MedGen C1850569, MONDO:0009725, OMIM 256030.

gnomAD v4.1: 1 of 1,613,850 alleles (0.000062%); highest among the groups gnomAD compares: Non-Finnish European, 0.000085%; no homozygotes.

Submissions (3):

Broad Center for Mendelian Genomics, Broad Institute of MIT and Harvard
Classification: Likely pathogenic for Nemaline myopathy. Last evaluated: 2025-03-21. Review status: criteria provided, single submitter. Criteria: ACMG Guidelines, 2015. Collection method: curation. Allele origin: germline. Inheritance: Autosomal recessive inheritance.
Comment: The p.Gln513Ter variant in NEB has not been previously reported in the literature in individuals with nemaline myopathy, but has been identified in 0.00009% (1/1179782) of European (non-Finnish) chromosomes by the Genome Aggregation Database (gnomAD; dbSNP ID: rs1171781332). Although this variant has been seen in the general population in a heterozygous state, its frequency is low enough to be consistent with a recessive carrier frequency. This variant has also been reported in ClinVar (Variation ID: 1453423) and has been interpreted as pathogenic by Invitae. This nonsense variant leads to a premature termination codon at position 513, which is predicted to lead to a truncated or absent protein. Loss of function of the NEB gene is an established disease mechanism in autosomal recessive nemaline myopathy. In summary, although additional studies are required to fully establish its clinical significance, this variant is likely pathogenic for autosomal recessive nemaline myopathy. ACMG/AMP Criteria applied: PVS1, PM2_supporting (Richards 2015).

Myriad Genetics, Inc.
Classification: Pathogenic for Nemaline myopathy 2. Last evaluated: 2025-01-01. Review status: criteria provided, single submitter. Criteria: Myriad Autosomal Dominant, Autosomal Recessive and X-Linked Classification Criteria (2023). Collection method: clinical testing. Allele origin: unknown.
Comment: NM_001271208.1(NEB):c.1537C>T(Q513*) is expected to be pathogenic in the context of NEB-related nemaline myopathy. This variant is predicted to lead to an abnormal or absent protein product due to the creation of a premature termination codon in NEB, a gene where loss-of-function variants are known to be pathogenic. Please note: this variant was assessed in the context of healthy population screening.

Labcorp Genetics (formerly Invitae), Labcorp
Classification: Pathogenic for Nemaline myopathy 2. Last evaluated: 2021-02-05. Review status: criteria provided, single submitter. Criteria: Invitae Variant Classification Sherloc (09022015). Collection method: clinical testing. Allele origin: germline.
Comment: For these reasons, this variant has been classified as Pathogenic. This variant has not been reported in the literature in individuals with NEB-related conditions. This variant is not present in population databases (ExAC no frequency). This sequence change creates a premature translational stop signal (p.Gln513*) in the NEB gene. It is expected to result in an absent or disrupted protein product. Loss-of-function variants in NEB are known to be pathogenic (PMID: 25205138).

Literature cited by the submitters: PubMed 25205138 (cited by Labcorp Genetics (formerly Invitae), Labcorp).

NM_001164508.2(NEB):c.1537C>T (p.Gln513Ter)

Gene: NEB (nebulin; minus strand). Cytogenetic location: 2q23.3.
Variant type: single nucleotide variant.
Coding change: c.1537C>T on transcript NM_001164508.2 (MANE Select); coding-DNA position 1537, C replaced by T.
Protein change: p.Gln513Ter; replaces glutamine 513 with a stop codon.
Molecular consequence: nonsense.
Genome position (GRCh38, 1-based): chr2:151,696,669, G>A on the plus strand (C>T on the coding strand, the complement: NEB is on the minus strand). VCF-style: chr2-151696669-G-A. GRCh37 (hg19) VCF-style: chr2-152553183-G-A.
Other names: NM_001164508.2(NEB):c.1537C>T; p.Gln513Ter; c.1537C>T, p.Gln513Ter (NM_001164507.2, NM_001271208.2, NM_004543.5); short protein forms Q513*.
Identifiers: ClinVar variation 1453423 (VCV001453423.8), dbSNP rs1171781332, ClinGen allele CA348825127.